The following is an entry in ClinVar:

ClinVar aggregate classification (germline): Uncertain significance. Review status: criteria provided, multiple submitters, no conflicts (2 of 4 stars). 2 submissions from 2 submitters: Uncertain significance (2). Last evaluated 2023-11-08.

Conditions:
Cardiovascular phenotype. Identifiers: MedGen CN230736.

Submissions (2):

Ambry Genetics
Classification: Uncertain significance for Cardiovascular phenotype. Last evaluated: 2023-11-08. Review status: criteria provided, single submitter. Criteria: Ambry Variant Classification Scheme 2023. Collection method: clinical testing. Allele origin: germline.
Comment: The p.S165Y variant (also known as c.494C>A), located in coding exon 2 of the JPH2 gene, results from a C to A substitution at nucleotide position 494. The serine at codon 165 is replaced by tyrosine, an amino acid with dissimilar properties. This amino acid position is conserved. In addition, the in silico prediction for this alteration is inconclusive. Since supporting evidence is limited at this time, the clinical significance of this alteration remains unclear.

Blueprint Genetics
Classification: Uncertain significance. Last evaluated: 2018-04-17. Review status: criteria provided, single submitter. Criteria: ACMG Guidelines, 2015. Collection method: clinical testing. Allele origin: germline.

NM_020433.5(JPH2):c.494C>A (p.Ser165Tyr)

Gene: JPH2 (junctophilin 2; minus strand). Cytogenetic location: 20q13.12.
Variant type: single nucleotide variant.
Coding change: c.494C>A on transcript NM_020433.5 (MANE Select); coding-DNA position 494, C replaced by A.
Protein change: p.Ser165Tyr; replaces serine 165 with tyrosine.
Molecular consequence: missense variant.
Genome position (GRCh38, 1-based): chr20:44,160,293, G>T on the plus strand (C>A on the coding strand, the complement: JPH2 is on the minus strand). VCF-style: chr20-44160293-G-T. GRCh37 (hg19) VCF-style: chr20-42788933-G-T.
Other names: short protein forms S165Y.
Identifiers: ClinVar variation 3227388 (VCV003227388.2), dbSNP rs387906898, ClinGen allele CA409094273.
Genomic context (GRCh38, chr20:44,160,293, plus strand): 5'-GAGGCCGGCGAGGCGGGAGAGTCCGGGGCCACCGTGCCGTTGCTGTGCTCGCTGCGCAGG[G>T]ACGACAGCGACGTGCGCAGCGGCGAGCGCACCACCACGGCCATCCCGTAGGGCACGCTCT-3'
Protein context (NP_065166.2, residues 155-175): VRSPLRTSLS[Ser165Tyr]LRSEHSNGTV